The following is an entry in ClinVar:

NM_001128205.2(SULF1):c.1466C>T (p.Thr489Met)

Gene: SULF1 (sulfatase 1; plus strand). Cytogenetic location: 8q13.3.
Variant type: single nucleotide variant.
Coding change: c.1466C>T on transcript NM_001128205.2 (MANE Select); coding-DNA position 1466, C replaced by T.
Protein change: p.Thr489Met; replaces threonine 489 with methionine.
Molecular consequence: missense variant. On other transcripts: non-coding transcript variant (3).
Genome position (GRCh38, 1-based): chr8:69,621,123, C>T. VCF-style: chr8-69621123-C-T. GRCh37 (hg19) VCF-style: chr8-70533358-C-T.
Other names: c.1466C>T, p.Thr489Met (NM_001128204.2, NM_001128206.2, NM_001412828.1 and 10 more transcripts); c.1337C>T, p.Thr446Met (NM_001412832.1, NM_001412838.1, NM_001412839.1 and 1 more transcripts); c.1409C>T, p.Thr470Met (NM_001412836.1, NM_001412837.1); c.1280C>T, p.Thr427Met (NM_001412841.1, NM_001412842.1); c.866C>T, p.Thr289Met (NM_001412844.1, NM_001412845.1); c.-326C>T (NM_001412846.1); short protein forms T289M, T427M, T489M, T446M, T470M.
Identifiers: ClinVar variation 2388456 (VCV002388456.4), dbSNP rs754254845, ClinGen allele CA4775892.

ClinVar aggregate classification (germline): Uncertain significance. Review status: criteria provided, multiple submitters, no conflicts (2 of 4 stars). 2 submissions from 2 submitters: Uncertain significance (2). Last evaluated 2025-02-07.

Allele frequency attached by ClinVar (database versions not stated): TOPMed 0.00001; gnomAD 0.00001; ExAC 0.00005; gnomAD exomes 0.00003.
gnomAD v4.1: 39 of 1,614,010 alleles (0.0024%); highest among the groups gnomAD compares: South Asian, 0.032%; no homozygotes.

Submissions (2):

Labcorp Genetics (formerly Invitae), Labcorp
Classification: Uncertain significance. Last evaluated: 2025-02-07. Review status: criteria provided, single submitter. Criteria: Invitae Variant Classification Sherloc (09022015). Collection method: clinical testing. Allele origin: germline.
Comment: This sequence change replaces threonine, which is neutral and polar, with methionine, which is neutral and non-polar, at codon 489 of the SULF1 protein (p.Thr489Met). This variant is present in population databases (rs754254845, gnomAD 0.05%). This variant has not been reported in the literature in individuals affected with SULF1-related conditions. ClinVar contains an entry for this variant (Variation ID: 2388456). An algorithm developed to predict the effect of missense changes on protein structure and function (PolyPhen-2) suggests that this variant is likely to be disruptive. In summary, the available evidence is currently insufficient to determine the role of this variant in disease. Therefore, it has been classified as a Variant of Uncertain Significance.

Ambry Genetics
Classification: Uncertain significance. Last evaluated: 2021-12-16. Review status: criteria provided, single submitter. Criteria: Ambry Variant Classification Scheme 2023. Collection method: clinical testing. Allele origin: germline.